The following is an entry in ClinVar:

NM_133497.4(KCNV2):c.433C>T (p.Gln145Ter)

Gene: KCNV2 (potassium voltage-gated channel modifier subfamily V member 2; plus strand). Cytogenetic location: 9p24.2.
Variant type: single nucleotide variant.
Coding change: c.433C>T on transcript NM_133497.4 (MANE Select); coding-DNA position 433, C replaced by T.
Protein change: p.Gln145Ter; replaces glutamine 145 with a stop codon.
Molecular consequence: nonsense.
Genome position (GRCh38, 1-based): chr9:2,718,172, C>T. VCF-style: chr9-2718172-C-T. GRCh37 (hg19) VCF-style: chr9-2718172-C-T.
Other names: short protein forms Q145*.
Identifiers: ClinVar variation 4833031 (VCV004833031.1).

ClinVar aggregate classification (germline): Pathogenic (1 of 4 stars; one submission).

Conditions:
Inborn genetic diseases. Identifiers: MedGen C0950123, MeSH D030342.

Submission:

Ambry Genetics
Classification: Pathogenic for Inborn genetic diseases. Last evaluated: 2025-12-22. Review status: criteria provided, single submitter. Criteria: Ambry Variant Classification Scheme 2023. Collection method: clinical testing. Allele origin: germline.
Comment: The c.433C>T (p.Q145*) alteration, located in exon 1 (coding exon 1) of the KCNV2 gene, consists of a C to T substitution at nucleotide position 433. This changes the amino acid from a glutamine (Q) to a stop codon at amino acid position 145. This alteration is expected to result in loss of function by premature protein truncation or nonsense-mediated mRNA decay. Based on data from gnomAD, the T allele has an overall frequency of <0.001% (1/247098) total alleles studied. The highest observed frequency was 0.001% (1/111406) of European (non-Finnish) alleles. This variant has been identified in the homozygous state and/or in conjunction with other KCNV2 variant(s) in individual(s), but clinical details were limited (Wu, 2006; Hitti-Malin, 2024; Lin, 2024). Based on the available evidence, this alteration is classified as pathogenic.

Literature cited by the submitters: PubMed 16909397; PubMed 38219857; PubMed 38540785.